The following is an entry in ClinVar:

ClinVar aggregate classification (germline): Uncertain significance. Review status: criteria provided, multiple submitters, no conflicts (2 of 4 stars). 2 submissions from 2 submitters: Uncertain significance (2). Last evaluated 2025-07-08.

Conditions:
Inborn genetic diseases. Identifiers: MedGen C0950123, MeSH D030342.

Allele frequency attached by ClinVar (database versions not stated): TOPMed below 0.00001; gnomAD 0.00003.
gnomAD v4.1: 37 of 1,595,650 alleles (0.0023%); highest among the groups gnomAD compares: South Asian, 0.0045%; 1 homozygote.

Submissions (2):

Ambry Genetics
Classification: Uncertain significance for Inborn genetic diseases. Last evaluated: 2025-07-08. Review status: criteria provided, single submitter. Criteria: Ambry Variant Classification Scheme 2023. Collection method: clinical testing. Allele origin: germline.

Labcorp Genetics (formerly Invitae), Labcorp
Classification: Uncertain significance. Last evaluated: 2022-06-13. Review status: criteria provided, single submitter. Criteria: Invitae Variant Classification Sherloc (09022015). Collection method: clinical testing. Allele origin: germline.
Comment: In summary, the available evidence is currently insufficient to determine the role of this variant in disease. Therefore, it has been classified as a Variant of Uncertain Significance. Algorithms developed to predict the effect of missense changes on protein structure and function output the following: SIFT: "Deleterious"; PolyPhen-2: "Benign"; Align-GVGD: "Class C0". The cysteine amino acid residue is found in multiple mammalian species, which suggests that this missense change does not adversely affect protein function. This sequence change replaces arginine, which is basic and polar, with cysteine, which is neutral and slightly polar, at codon 52 of the RPIA protein (p.Arg52Cys). The frequency data for this variant in the population databases is considered unreliable, as metrics indicate poor data quality at this position in the gnomAD database. This variant has not been reported in the literature in individuals affected with RPIA-related conditions.

NM_144563.3(RPIA):c.154C>T (p.Arg52Cys)

Genes: RPIA (ribose 5-phosphate isomerase A; plus strand), LOC129934277 (ATAC-STARR-seq lymphoblastoid silent region 11733; plus strand). Cytogenetic location: 2p11.2.
Variant type: single nucleotide variant.
Coding change: c.154C>T on transcript NM_144563.3 (MANE Select); coding-DNA position 154, C replaced by T.
Protein change: p.Arg52Cys; replaces arginine 52 with cysteine.
Molecular consequence: missense variant.
Genome position (GRCh38, 1-based): chr2:88,691,852, C>T. VCF-style: chr2-88691852-C-T. GRCh37 (hg19) VCF-style: chr2-88991370-C-T.
Other names: c.154C>T (NM_144563.2); short protein forms R52C.
Identifiers: ClinVar variation 1980521 (VCV001980521.4), dbSNP rs962744633, ClinGen allele CA51978506.